The following is an entry in ClinVar:

ClinVar aggregate classification (germline): Uncertain significance. Review status: criteria provided, multiple submitters, no conflicts (2 of 4 stars). 3 submissions from 3 submitters: Uncertain significance (3). Last evaluated 2024-10-18.

Conditions:
Cerebral palsy, spastic quadriplegic, 2 (CPSQ2). Identifiers: Orphanet 210141, MedGen C2752061, MONDO:0013033, OMIM 612900.

Allele frequency attached by ClinVar (database versions not stated): ExAC 0.00002; gnomAD 0.00002; TOPMed 0.00003.
gnomAD v4.1: 195 of 1,613,754 alleles (0.012%); highest among the groups gnomAD compares: Non-Finnish European, 0.016%; no homozygotes.

Submissions (3):

Labcorp Genetics (formerly Invitae), Labcorp
Classification: Uncertain significance. Last evaluated: 2024-10-18. Review status: criteria provided, single submitter. Criteria: Invitae Variant Classification Sherloc (09022015). Collection method: clinical testing. Allele origin: germline.
Comment: This sequence change replaces proline, which is neutral and non-polar, with leucine, which is neutral and non-polar, at codon 666 of the KANK1 protein (p.Pro666Leu). This variant is present in population databases (rs746088661, gnomAD 0.004%). This variant has not been reported in the literature in individuals affected with KANK1-related conditions. ClinVar contains an entry for this variant (Variation ID: 1497948). Invitae Evidence Modeling of protein sequence and biophysical properties (such as structural, functional, and spatial information, amino acid conservation, physicochemical variation, residue mobility, and thermodynamic stability) indicates that this missense variant is expected to disrupt KANK1 protein function with a positive predictive value of 80%. In summary, the available evidence is currently insufficient to determine the role of this variant in disease. Therefore, it has been classified as a Variant of Uncertain Significance.

Ambry Genetics
Classification: Uncertain significance. Last evaluated: 2021-10-18. Review status: criteria provided, single submitter. Criteria: Ambry Variant Classification Scheme 2023. Collection method: clinical testing. Allele origin: germline.

Fulgent Genetics
Classification: Uncertain significance for Cerebral palsy, spastic quadriplegic, 2. Last evaluated: 2021-07-21. Review status: criteria provided, single submitter. Criteria: ACMG Guidelines, 2015. Collection method: clinical testing. Allele origin: unknown.

NM_015158.5(KANK1):c.1997C>T (p.Pro666Leu)

Gene: KANK1 (KN motif and ankyrin repeat domains 1; plus strand). Cytogenetic location: 9p24.3.
Variant type: single nucleotide variant.
Coding change: c.1997C>T on transcript NM_015158.5 (MANE Select); coding-DNA position 1997, C replaced by T.
Protein change: p.Pro666Leu; replaces proline 666 with leucine.
Molecular consequence: missense variant. On other transcripts: non-coding transcript variant (1).
Genome position (GRCh38, 1-based): chr9:712,763, C>T. VCF-style: chr9-712763-C-T. GRCh37 (hg19) VCF-style: chr9-712763-C-T.
Other names: c.1997C>T, p.Pro666Leu (NM_001256876.3, NM_001256877.3, NM_001354331.2 and 2 more transcripts); c.1523C>T, p.Pro508Leu (NM_001354340.2, NM_001354341.2, NM_001354342.2 and 9 more transcripts); c.1997C>T (NM_015158.2); short protein forms P508L, P666L.
Identifiers: ClinVar variation 1497948 (VCV001497948.8), dbSNP rs746088661, ClinGen allele CA4960391.